The following is an entry in ClinVar:

ClinVar aggregate classification (germline): Uncertain significance (1 of 4 stars; one submission).

Allele frequency attached by ClinVar (database versions not stated): gnomAD exomes below 0.00001; TOPMed 0.00001.

Submission:

Labcorp Genetics (formerly Invitae), Labcorp
Classification: Uncertain significance. Last evaluated: 2022-04-16. Review status: criteria provided, single submitter. Criteria: Invitae Variant Classification Sherloc (09022015). Collection method: clinical testing. Allele origin: germline.
Comment: This sequence change replaces glycine, which is neutral and non-polar, with serine, which is neutral and polar, at codon 473 of the DBR1 protein (p.Gly473Ser). This variant is not present in population databases (gnomAD no frequency). This variant has not been reported in the literature in individuals affected with DBR1-related conditions. Algorithms developed to predict the effect of missense changes on protein structure and function output the following: SIFT: "Tolerated"; PolyPhen-2: "Benign"; Align-GVGD: "Class C0". The serine amino acid residue is found in multiple mammalian species, which suggests that this missense change does not adversely affect protein function. In summary, the available evidence is currently insufficient to determine the role of this variant in disease. Therefore, it has been classified as a Variant of Uncertain Significance.

NM_016216.4(DBR1):c.1417G>A (p.Gly473Ser)

Gene: DBR1 (debranching RNA lariats 1; minus strand). Cytogenetic location: 3q22.3.
Variant type: single nucleotide variant.
Coding change: c.1417G>A on transcript NM_016216.4 (MANE Select); coding-DNA position 1417, G replaced by A.
Protein change: p.Gly473Ser; replaces glycine 473 with serine.
Molecular consequence: missense variant.
Genome position (GRCh38, 1-based): chr3:138,162,107, C>T on the plus strand (G>A on the coding strand, the complement: DBR1 is on the minus strand). VCF-style: chr3-138162107-C-T. GRCh37 (hg19) VCF-style: chr3-137880949-C-T.
Other names: short protein forms G473S.
Identifiers: ClinVar variation 2063407 (VCV002063407.1), dbSNP rs1383092171, ClinGen allele CA354669490.
Genomic context (GRCh38, chr3:138,162,107, plus strand): 5'-GTTTCCCCTCTCTATCAATTGTGGAATCCACCGTATCATCAGAAGATACAATCATAGAGC[C>T]TGGCAAGATCCTGACATCAGAGAAACTTGCAGAAAACTCAGAAGCTTGATCAGAAGGTTC-3'
Protein context (NP_057300.2, residues 463-483): ASFSDVRILP[Gly473Ser]SMIVSSDDTV